The following is an entry in ClinVar:

ClinVar aggregate classification (germline): Uncertain significance (1 of 4 stars; one submission).

Conditions:
Basal cell nevus syndrome 1 (BCNS1). Also called: GORLIN-GOLTZ SYNDROME; MULTIPLE BASAL CELL NEVI, ODONTOGENIC KERATOCYSTS, AND SKELETAL ANOMALIES. Identifiers: MedGen CN376810, MONDO:0958174, OMIM 109400.

Submission:

Victorian Clinical Genetics Services, Murdoch Childrens Research Institute
Classification: Uncertain significance for Basal cell nevus syndrome 1. Last evaluated: 2025-07-14. Review status: criteria provided, single submitter. Criteria: ACMG Guidelines, 2015. Collection method: clinical testing. Allele origin: germline. Affected: yes.
Comment: This variant is classified as VUS-3B. Evidence in support of pathogenic classification: Variant is absent from gnomAD (v2, v3 and v4); Missense variant predicted to be damaging by in silico tool(s) or highly conserved with a major amino acid change. Additional information: Variant is predicted to result in a missense amino acid change from Leu to Phe; This variant is heterozygous; This gene is associated with autosomal dominant disease; This variant has no previous evidence of pathogenicity; No published evidence of segregation with disease has been identified for this variant; No published functional evidence has been identified for this variant; No comparable missense variants have previous evidence for pathogenicity; Variant is located in the annotated sterol-sensing domain (DECIPHER); Loss of function is a known mechanism of disease in this gene and is associated with basal cell nevus syndrome (MIM#109400). The mechanism of holoprosencephaly 7 (MIM#610828) is unclear, but gain of function has been suggested (PMID: 18830227); Variants in this gene are known to have variable expressivity (OMIM, PMID: 30411536).

Literature cited by the submitters: PubMed 18830227; PubMed 30411536.

NM_000264.5(PTCH1):c.1723C>T (p.Leu575Phe)

Gene: PTCH1 (patched 1; minus strand). Cytogenetic location: 9q22.32.
Variant type: single nucleotide variant.
Coding change: c.1723C>T on transcript NM_000264.5 (MANE Select); coding-DNA position 1723, C replaced by T.
Protein change: p.Leu575Phe; replaces leucine 575 with phenylalanine.
Molecular consequence: missense variant. On other transcripts: non-coding transcript variant (1).
Genome position (GRCh38, 1-based): chr9:95,476,039, G>A on the plus strand (C>T on the coding strand, the complement: PTCH1 is on the minus strand). VCF-style: chr9-95476039-G-A. GRCh37 (hg19) VCF-style: chr9-98238321-G-A.
Other names: c.1525C>T, p.Leu509Phe (NM_001083602.3); c.1720C>T, p.Leu574Phe (NM_001083603.3); c.1270C>T, p.Leu424Phe (NM_001083604.3, NM_001083605.3, NM_001083606.3 and 1 more transcripts); c.1567C>T, p.Leu523Phe (NM_001354918.2); short protein forms L424F, L509F, L523F, L574F, L575F.
Identifiers: ClinVar variation 4532132 (VCV004532132.1).
Genomic context (GRCh38, chr9:95,476,039, plus strand): 5'-CTGGAAGTCAGTGCCCCGTTCAGGATCACCACAGCCTTCATCACCAGAAGCTCACCTGGA[G>A]GGAGAACGCCCGCAGAGCGGGAATTGGGATTAACGCGGCCATGAAGAAGGCTGTGACATT-3'
Protein context (NP_000255.2, residues 565-585): IPIPALRAFS[Leu575Phe]QAAVVVVFNF